The following is an entry in ClinVar:

ClinVar aggregate classification (germline): Uncertain significance (1 of 4 stars; one submission).

Conditions:
Intellectual disability-severe speech delay-mild dysmorphism syndrome (IDDLA). Also called: Intellectual developmental disorder with language impairment AND with or without autistic features; Mental retardation with language impairment and autistic features; FOXP1 Syndrome. Identifiers: Orphanet 391372, MedGen C4013764, MONDO:0013352, OMIM 613670.

Allele frequency attached by ClinVar (database versions not stated): gnomAD exomes below 0.00001.
gnomAD v4.1: 1 of 1,613,490 alleles (0.000062%); highest among the groups gnomAD compares: Non-Finnish European, 0.000085%; no homozygotes.

Submission:

Neuberg Centre For Genomic Medicine, NCGM
Classification: Uncertain significance for Intellectual disability-severe speech delay-mild dysmorphism syndrome. Review status: criteria provided, single submitter. Criteria: ACMG Guidelines, 2015. Collection method: clinical testing. Allele origin: germline. Affected: yes.
Comment: The missense variant p.V343G in FOXP1 (NM_032682.6) has not been reported previously as a pathogenic variant nor as a benign variant, to our knowledge. The p.V343G variant is novel (not in any individuals) in gnomAD Exomes and is novel (not in any individuals) in 1000 Genomes. The p.V343G missense variant is predicted to be damaging by both SIFT and PolyPhen2. The valine residue at codon 343 of FOXP1 is conserved in all mammalian species. The nucleotide c.1028 in FOXP1 is predicted conserved by GERP++ and PhyloP across 100 vertebrates. For these reasons, this variant has been classified as Uncertain Significance

NM_001349338.3(FOXP1):c.1028T>G (p.Val343Gly)

Gene: FOXP1 (forkhead box P1; minus strand). Cytogenetic location: 3p13.
Variant type: single nucleotide variant.
Coding change: c.1028T>G on transcript NM_001349338.3 (MANE Select); coding-DNA position 1028, T replaced by G.
Protein change: p.Val343Gly; replaces valine 343 with glycine.
Molecular consequence: missense variant.
Genome position (GRCh38, 1-based): chr3:71,001,006, A>C on the plus strand (T>G on the coding strand, the complement: FOXP1 is on the minus strand). VCF-style: chr3-71001006-A-C. GRCh37 (hg19) VCF-style: chr3-71050157-A-C.
Other names: c.1028T>G, p.Val343Gly (NM_001244808.3, NM_001244810.2, NM_001244814.3 and 3 more transcripts); c.800T>G, p.Val267Gly (NM_001244812.3); c.728T>G, p.Val243Gly (NM_001244813.3, NM_001244815.2, NM_001349342.3 and 1 more transcripts); c.725T>G, p.Val242Gly (NM_001349337.2, NM_001349343.3, NM_001349344.3); c.1025T>G, p.Val342Gly (NM_001349341.3); short protein forms V242G, V243G, V267G, V342G, V343G.
Identifiers: ClinVar variation 1339145 (VCV001339145.2), dbSNP rs2107612907, ClinGen allele CA353495033.